The following is an entry in ClinVar:

ClinVar aggregate classification (germline): Uncertain significance. Review status: criteria provided, multiple submitters, no conflicts (2 of 4 stars). 3 submissions from 3 submitters: Uncertain significance (3). Last evaluated 2026-01-14.

Conditions:
Inborn genetic diseases. Identifiers: MedGen C0950123, MeSH D030342.

Allele frequency attached by ClinVar (database versions not stated): TOPMed 0.00013; ESP Exome Variant Server 0.00015.
gnomAD v4.1: 108 of 1,614,112 alleles (0.0067%); highest among the groups gnomAD compares: Admixed American, 0.038%; no homozygotes.

Submissions (3):

Labcorp Genetics (formerly Invitae), Labcorp
Classification: Uncertain significance. Last evaluated: 2026-01-14. Review status: criteria provided, single submitter. Criteria: Invitae Variant Classification Sherloc (09022015). Collection method: clinical testing. Allele origin: germline.
Comment: This sequence change replaces glutamic acid, which is acidic and polar, with aspartic acid, which is acidic and polar, at codon 608 of the C1S protein (p.Glu608Asp). This variant is present in population databases (rs138087323, gnomAD 0.02%). This variant has not been reported in the literature in individuals affected with C1S-related conditions. ClinVar contains an entry for this variant (Variation ID: 1041018). An algorithm developed to predict the effect of missense changes on protein structure and function outputs the following: PolyPhen-2: "Benign". The aspartic acid amino acid residue is found in multiple mammalian species, which suggests that this missense change does not adversely affect protein function. In summary, the available evidence is currently insufficient to determine the role of this variant in disease. Therefore, it has been classified as a Variant of Uncertain Significance.

Women's Health and Genetics/Laboratory Corporation of America, LabCorp
Classification: Uncertain significance. Last evaluated: 2025-12-10. Review status: criteria provided, single submitter. Criteria: LabCorp Variant Classification Summary - May 2015. Collection method: clinical testing. Allele origin: germline.
Comment: Variant summary: C1S c.1824G>C (p.Glu608Asp) results in a conservative amino acid change in the encoded protein sequence. Algorithms developed to predict the effect of missense changes on protein structure and function all suggest that this variant is likely to be tolerated. The variant allele was found at a frequency of 6.8e-05 in 251466 control chromosomes. This frequency is not significantly higher than estimated for disease-causing variants in C1S, allowing no conclusion about variant significance. To our knowledge, no occurrence of c.1824G>C in individuals affected with C1S-related conditions and no experimental evidence demonstrating its impact on protein function have been reported. ClinVar contains an entry for this variant (Variation ID: 1041018). Based on the evidence outlined above, the variant was classified as uncertain significance.

Ambry Genetics
Classification: Uncertain significance for Inborn genetic diseases. Last evaluated: 2024-05-15. Review status: criteria provided, single submitter. Criteria: Ambry Variant Classification Scheme 2023. Collection method: clinical testing. Allele origin: germline.

NM_001734.5(C1S):c.1824G>C (p.Glu608Asp)

Gene: C1S (complement C1s; plus strand). Cytogenetic location: 12p13.31.
Variant type: single nucleotide variant.
Coding change: c.1824G>C on transcript NM_001734.5 (MANE Select); coding-DNA position 1824, G replaced by C.
Protein change: p.Glu608Asp; replaces glutamic acid 608 with aspartic acid.
Molecular consequence: missense variant.
Genome position (GRCh38, 1-based): chr12:7,070,408, G>C. VCF-style: chr12-7070408-G-C. GRCh37 (hg19) VCF-style: chr12-7177712-G-C.
Other names: c.1323G>C, p.Glu441Asp (NM_001346850.2); c.1824G>C, p.Glu608Asp (NM_201442.4); c.1824G>C (NM_201442.2); short protein forms E441D, E608D.
Identifiers: ClinVar variation 1041018 (VCV001041018.9), dbSNP rs138087323, ClinGen allele CA6423849.